The following is an entry in ClinVar:

ClinVar aggregate classification (germline): Uncertain significance. Review status: criteria provided, multiple submitters, no conflicts (2 of 4 stars). 2 submissions from 2 submitters: Uncertain significance (2). Last evaluated 2026-07-07.

Conditions:
Hereditary cancer-predisposing syndrome. Also called: Tumor predisposition; Hereditary neoplastic syndrome; Hereditary Cancer Syndrome; Neoplastic Syndromes, Hereditary. Identifiers: Orphanet 140162, MedGen C0027672, MeSH D009386, MONDO:0015356.
Multiple endocrine neoplasia, type 2 (MEN2). Identifiers: Orphanet 653, MedGen C4048306, MONDO:0019003. Disease mechanism: gain of function.

gnomAD v4.1: 2 of 1,612,790 alleles (0.00012%); highest among the groups gnomAD compares: Non-Finnish European, 0.00017%; no homozygotes.

Submissions (2):

Ambry Genetics
Classification: Uncertain significance for Hereditary cancer-predisposing syndrome. Last evaluated: 2026-07-07. Review status: criteria provided, single submitter. Criteria: Ambry Variant Classification Scheme 2023. Collection method: clinical testing. Allele origin: germline.
Comment: The p.E289K variant (also known as c.865G>A), located in coding exon 4 of the RET gene, results from a G to A substitution at nucleotide position 865. The glutamic acid at codon 289 is replaced by lysine, an amino acid with similar properties. This amino acid position is conserved. In addition, this alteration is predicted to be tolerated by in silico analysis. Based on the available evidence, the clinical significance of this variant remains unclear.

Labcorp Genetics (formerly Invitae), Labcorp
Classification: Uncertain significance for Multiple endocrine neoplasia, type 2. Last evaluated: 2024-08-14. Review status: criteria provided, single submitter. Criteria: Invitae Variant Classification Sherloc (09022015). Collection method: clinical testing. Allele origin: germline.
Comment: This sequence change replaces glutamic acid, which is acidic and polar, with lysine, which is basic and polar, at codon 289 of the RET protein (p.Glu289Lys). This variant is not present in population databases (gnomAD no frequency). This variant has not been reported in the literature in individuals affected with RET-related conditions. An algorithm developed to predict the effect of missense changes on protein structure and function outputs the following: PolyPhen-2: "Benign". The lysine amino acid residue is found in multiple mammalian species, which suggests that this missense change does not adversely affect protein function. In summary, the available evidence is currently insufficient to determine the role of this variant in disease. Therefore, it has been classified as a Variant of Uncertain Significance.

NM_020975.6(RET):c.865G>A (p.Glu289Lys)

Gene: RET (ret proto-oncogene; plus strand). Cytogenetic location: 10q11.21.
Variant type: single nucleotide variant.
Coding change: c.865G>A on transcript NM_020975.6 (MANE Select); coding-DNA position 865, G replaced by A.
Protein change: p.Glu289Lys; replaces glutamic acid 289 with lysine.
Molecular consequence: missense variant. On other transcripts: intron variant (22).
Genome position (GRCh38, 1-based): chr10:43,105,191, G>A. VCF-style: chr10-43105191-G-A. GRCh37 (hg19) VCF-style: chr10-43600639-G-A.
Other names: c.338-3840G>A (NM_001406778.1, NM_001406775.1, NM_001406776.1 and 1 more transcripts); c.337+4469G>A (NM_001406790.1, NM_001406788.1, NM_001406789.1 and 1 more transcripts); c.74-3840G>A (NM_001406784.1); c.103G>A, p.Glu35Lys (NM_001355216.2); c.74-6908G>A (NM_001406794.1, NM_001406792.1, NM_001406793.1); c.865G>A, p.Glu289Lys (NM_001406743.1, NM_001406744.1, NM_001406759.1 and 6 more transcripts); c.736G>A, p.Glu246Lys (NM_001406761.1, NM_001406762.1, NM_001406764.1 and 2 more transcripts); c.577G>A, p.Glu193Lys (NM_001406766.1, NM_001406767.1, NM_001406770.1); and 2 more; short protein forms E35K, E246K, E193K, E289K.
Identifiers: ClinVar variation 3674710 (VCV003674710.3).
Genomic context (GRCh38, chr10:43,105,191, plus strand): 5'-GCGCCCACCTTCCCCGCGGGCGTCGACACCGCCAGCGCCGTGGTGGAGTTCAAGCGGAAG[G>A]AGGTGCTTGTCCGCGCGTGCTGTGGTCTACCCAGTGTCTGTCTCCGGCCACAGTTCGTTT-3'
Protein context (NP_066124.1, residues 279-299): ASAVVEFKRK[Glu289Lys]DTVVATLRVF